The following is an entry in ClinVar:

ClinVar aggregate classification (germline): Benign. Review status: criteria provided, multiple submitters, no conflicts (2 of 4 stars). 2 submissions from 2 submitters: Benign (2). Last evaluated 2018-01-13.

Conditions:
Hereditary spastic paraplegia 33. Also called: SPASTIC PARAPLEGIA 33, AUTOSOMAL DOMINANT. Identifiers: MedGen C1853251, MONDO:0012448, OMIM 610244.

Allele frequency attached by ClinVar (database versions not stated): TOPMed 0.00473; 1000 Genomes Project 30x 0.00578; 1000 Genomes Project 0.00619.

Submissions (2):

Illumina Laboratory Services, Illumina
Classification: Benign for Hereditary spastic paraplegia 33. Last evaluated: 2018-01-13. Review status: criteria provided, single submitter. Criteria: ICSL Variant Classification Criteria 13 December 2019. Collection method: clinical testing. Allele origin: germline.
Comment: This variant was observed in the ICSL laboratory as part of a predisposition screen in an ostensibly healthy population. It had not been previously curated by ICSL or reported in the Human Gene Mutation Database (HGMD: prior to June 1st, 2018), and was therefore a candidate for classification through an automated scoring system. Utilizing variant allele frequency, disease prevalence and penetrance estimates, and inheritance mode, an automated score was calculated to assess if this variant is too frequent to cause the disease. Based on the score and internal cut-off values, a variant classified as benign is not then subjected to further curation. The score for this variant resulted in a classification of benign for this disease.

Breakthrough Genomics
Classification: Benign. Review status: criteria provided, single submitter. Criteria: ACMG Guidelines, 2015. Collection method: not provided. Allele origin: germline. Inheritance: Autosomal dominant inheritance. Affected: yes.

NM_001385875.1(ZFYVE27):c.*163C>G

Gene: ZFYVE27 (zinc finger FYVE-type containing 27; plus strand). Cytogenetic location: 10q24.2.
Variant type: single nucleotide variant.
Coding change: c.*163C>G on transcript NM_001385875.1 (MANE Select); 163 bases downstream of the stop codon, C replaced by G.
Molecular consequence: 3 prime UTR variant. On other transcripts: non-coding transcript variant (17).
Genome position (GRCh38, 1-based): chr10:97,759,463, C>G. VCF-style: chr10-97759463-C-G. GRCh37 (hg19) VCF-style: chr10-99519220-C-G.
Other names: c.*163C>G (NM_001002261.4, NM_001002262.4, NM_001174119.2 and 39 more transcripts).
Identifiers: ClinVar variation 301843 (VCV000301843.6), dbSNP rs41290464, ClinGen allele CA10637051.